The following is an entry in ClinVar:

ClinVar aggregate classification (germline): Pathogenic (1 of 4 stars; one submission).

Conditions:
5-Oxoprolinase deficiency (OPLAHD). Also called: 5-OXOPROLINURIA DUE TO 5-OXOPROLINASE DEFICIENCY. Identifiers: Orphanet 33572, MedGen C0268525, MONDO:0009825, OMIM 260005, HP:0040142.

Allele frequency attached by ClinVar (database versions not stated): TOPMed 0.00001.
gnomAD v4.1: 4 of 1,535,754 alleles (0.00026%); highest among the groups gnomAD compares: Admixed American, 0.0039%; no homozygotes.

Submission:

Labcorp Genetics (formerly Invitae), Labcorp
Classification: Pathogenic for 5-Oxoprolinase deficiency. Last evaluated: 2022-06-03. Review status: criteria provided, single submitter. Criteria: Invitae Variant Classification Sherloc (09022015). Collection method: clinical testing. Allele origin: germline.
Comment: For these reasons, this variant has been classified as Pathogenic. This variant has not been reported in the literature in individuals affected with OPLAH-related conditions. This variant is present in population databases (no rsID available, gnomAD 0.02%). This sequence change creates a premature translational stop signal (p.Tyr1204*) in the OPLAH gene. It is expected to result in an absent or disrupted protein product. Loss-of-function variants in OPLAH are known to be pathogenic (PMID: 21651516, 27477828).

Literature cited by the submitters: PubMed 21651516; PubMed 27477828.

NM_017570.5(OPLAH):c.3612C>G (p.Tyr1204Ter)

Gene: OPLAH (5-oxoprolinase, ATP-hydrolysing; minus strand). Cytogenetic location: 8q24.3.
Variant type: single nucleotide variant.
Coding change: c.3612C>G on transcript NM_017570.5 (MANE Select); coding-DNA position 3612, C replaced by G.
Protein change: p.Tyr1204Ter; replaces tyrosine 1204 with a stop codon.
Molecular consequence: nonsense.
Genome position (GRCh38, 1-based): chr8:144,051,926, G>C on the plus strand (C>G on the coding strand, the complement: OPLAH is on the minus strand). VCF-style: chr8-144051926-G-C. GRCh37 (hg19) VCF-style: chr8-145106827-G-C.
Other names: short protein forms Y1204*.
Identifiers: ClinVar variation 2194554 (VCV002194554.4), dbSNP rs1292344717, ClinGen allele CA372529316.